The following is an entry in ClinVar:

ClinVar aggregate classification (germline): Uncertain significance (1 of 4 stars; one submission).

gnomAD v4.1: 4 of 1,614,168 alleles (0.00025%); highest among the groups gnomAD compares: Non-Finnish European, 0.00034%; no homozygotes.

Submission:

Labcorp Genetics (formerly Invitae), Labcorp
Classification: Uncertain significance. Last evaluated: 2021-05-05. Review status: criteria provided, single submitter. Criteria: Invitae Variant Classification Sherloc (09022015). Collection method: clinical testing. Allele origin: germline.
Comment: Algorithms developed to predict the effect of missense changes on protein structure and function are either unavailable or do not agree on the potential impact of this missense change (SIFT: "Tolerated"; PolyPhen-2: "Probably Damaging"; Align-GVGD: "Class C0"). In summary, the available evidence is currently insufficient to determine the role of this variant in disease. Therefore, it has been classified as a Variant of Uncertain Significance. This variant has not been reported in the literature in individuals with TUBGCP6-related conditions. This variant is not present in population databases (ExAC no frequency). This sequence change replaces alanine with serine at codon 723 of the TUBGCP6 protein (p.Ala723Ser). The alanine residue is moderately conserved and there is a moderate physicochemical difference between alanine and serine.

NM_020461.4(TUBGCP6):c.2167G>T (p.Ala723Ser)

Gene: TUBGCP6 (tubulin gamma complex component 6; minus strand). Cytogenetic location: 22q13.33.
Variant type: single nucleotide variant.
Coding change: c.2167G>T on transcript NM_020461.4 (MANE Select); coding-DNA position 2167, G replaced by T.
Protein change: p.Ala723Ser; replaces alanine 723 with serine.
Molecular consequence: missense variant.
Genome position (GRCh38, 1-based): chr22:50,224,244, C>A on the plus strand (G>T on the coding strand, the complement: TUBGCP6 is on the minus strand). VCF-style: chr22-50224244-C-A. GRCh37 (hg19) VCF-style: chr22-50662673-C-A.
Other names: short protein forms A723S.
Identifiers: ClinVar variation 1497368 (VCV001497368.8), dbSNP rs760623469, ClinGen allele CA325463863.